The following is an entry in ClinVar:

ClinVar aggregate classification (germline): Pathogenic (1 of 4 stars; one submission).

Conditions:
Familial thoracic aortic aneurysm and aortic dissection (TAAD). Also called: Thoracic aortic aneurysms and dissections. Identifiers: Orphanet 91387, MedGen C4707243, MONDO:0019625.
Marfan syndrome (MFS). Also called: Marfan syndrome type 1; Marfan's syndrome; Marfan syndrome, classic; MARFAN SYNDROME, TYPE I; FBN1-Related Marfan Syndrome. Identifiers: Orphanet 284963, Orphanet 558, MedGen C0024796, MONDO:0007947, OMIM 154700.

Submission:

Labcorp Genetics (formerly Invitae), Labcorp
Classification: Pathogenic for Marfan syndrome; Familial thoracic aortic aneurysm and aortic dissection. Last evaluated: 2020-10-18. Review status: criteria provided, single submitter. Criteria: Invitae Variant Classification Sherloc (09022015). Collection method: clinical testing. Allele origin: germline.
Comment: This variant has been observed in individual(s) with FBN1-related conditions (PMID: 31098894). In at least one individual the variant was observed to be de novo. For these reasons, this variant has been classified as Pathogenic. This variant disrupts the c.2854G nucleotide in the FBN1 gene. Other variant(s) that disrupt this nucleotide have been determined to be pathogenic (PMID: 19293843). This suggests that this nucleotide is clinically significant, and that variants that disrupt this position are likely to be disease-causing. Nucleotide substitutions within the consensus splice site are a relatively common cause of aberrant splicing (PMID: 17576681, 9536098). Algorithms developed to predict the effect of sequence changes on RNA splicing suggest that this variant may disrupt the consensus splice site, but this prediction has not been confirmed by published transcriptional studies. Algorithms developed to predict the effect of missense changes on protein structure and function are either unavailable or do not agree on the potential impact of this missense change (SIFT: "Tolerated"; PolyPhen-2: "Probably Damaging"; Align-GVGD: "Class C0"). This variant is not present in population databases (ExAC no frequency). This sequence change replaces aspartic acid with asparagine at codon 952 of the FBN1 protein (p.Asp952Asn). The aspartic acid residue is highly conserved and there is a small physicochemical difference between aspartic acid and asparagine. This variant also falls at the last nucleotide of exon 24, which is part of the consensus splice site for this exon.

Literature cited by the submitters: PubMed 31098894; PubMed 19293843; PubMed 17576681; PubMed 9536098.

NM_000138.5(FBN1):c.2854G>A (p.Asp952Asn)

Gene: FBN1 (fibrillin 1; minus strand). Cytogenetic location: 15q21.1.
Variant type: single nucleotide variant.
Coding change: c.2854G>A on transcript NM_000138.5 (MANE Select); coding-DNA position 2854, G replaced by A.
Protein change: p.Asp952Asn; replaces aspartic acid 952 with asparagine.
Molecular consequence: missense variant.
Genome position (GRCh38, 1-based): chr15:48,492,461, C>T on the plus strand (G>A on the coding strand, the complement: FBN1 is on the minus strand). VCF-style: chr15-48492461-C-T. GRCh37 (hg19) VCF-style: chr15-48784658-C-T.
Other names: short protein forms D952N.
Identifiers: ClinVar variation 1076287 (VCV001076287.9), dbSNP rs2141300251, ClinGen allele CA392330393.